The following is an entry in ClinVar:

ClinVar aggregate classification (germline): Uncertain significance. Review status: criteria provided, multiple submitters, no conflicts (2 of 4 stars). 2 submissions from 2 submitters: Uncertain significance (2). Last evaluated 2025-10-20.

Conditions:
Inborn genetic diseases. Identifiers: MedGen C0950123, MeSH D030342.
Leber congenital amaurosis 4 (LCA4). Identifiers: MedGen C1858386, MONDO:0011458, OMIM 604393.

Allele frequency attached by ClinVar (database versions not stated): gnomAD exomes 0.00001; TOPMed 0.00001; ExAC 0.00002.
gnomAD v4.1: 9 of 1,603,834 alleles (0.00056%); highest among the groups gnomAD compares: Non-Finnish European, 0.00068%; no homozygotes.

Submissions (2):

Labcorp Genetics (formerly Invitae), Labcorp
Classification: Uncertain significance for Leber congenital amaurosis 4. Last evaluated: 2025-10-20. Review status: criteria provided, single submitter. Criteria: Invitae Variant Classification Sherloc (09022015). Collection method: clinical testing. Allele origin: germline.
Comment: This sequence change replaces serine, which is neutral and polar, with threonine, which is neutral and polar, at codon 377 of the AIPL1 protein (p.Ser377Thr). This variant is present in population databases (rs757143537, gnomAD 0.002%). This variant has not been reported in the literature in individuals affected with AIPL1-related conditions. ClinVar contains an entry for this variant (Variation ID: 2181141). Invitae Evidence Modeling of protein sequence and biophysical properties (such as structural, functional, and spatial information, amino acid conservation, physicochemical variation, residue mobility, and thermodynamic stability) indicates that this missense variant is not expected to disrupt AIPL1 protein function with a negative predictive value of 95%. In summary, the available evidence is currently insufficient to determine the role of this variant in disease. Therefore, it has been classified as a Variant of Uncertain Significance.

Ambry Genetics
Classification: Uncertain significance for Inborn genetic diseases. Last evaluated: 2025-06-29. Review status: criteria provided, single submitter. Criteria: Ambry Variant Classification Scheme 2023. Collection method: clinical testing. Allele origin: germline.

NM_014336.5(AIPL1):c.1129T>A (p.Ser377Thr)

Gene: AIPL1 (AIP like 1 HSP90 co-chaperone; minus strand). Cytogenetic location: 17p13.2.
Variant type: single nucleotide variant.
Coding change: c.1129T>A on transcript NM_014336.5 (MANE Select); coding-DNA position 1129, T replaced by A.
Protein change: p.Ser377Thr; replaces serine 377 with threonine.
Molecular consequence: missense variant. On other transcripts: 3 prime UTR variant (1).
Genome position (GRCh38, 1-based): chr17:6,425,486, A>T on the plus strand (T>A on the coding strand, the complement: AIPL1 is on the minus strand). VCF-style: chr17-6425486-A-T. GRCh37 (hg19) VCF-style: chr17-6328806-A-T.
Other names: c.940T>A, p.Ser314Thr (NM_001033054.3); c.949T>A, p.Ser317Thr (NM_001033055.3); c.1093T>A, p.Ser365Thr (NM_001285399.3); c.1063T>A, p.Ser355Thr (NM_001285400.3); c.1057T>A, p.Ser353Thr (NM_001285401.3); c.1012T>A, p.Ser338Thr (NM_001285402.2); c.*1100T>A (NM_001285403.4); c.1129T>A (NM_014336.3); short protein forms S338T, S377T, S317T, S353T, S365T, S314T, S355T.
Identifiers: ClinVar variation 2181141 (VCV002181141.5), dbSNP rs757143537, ClinGen allele CA8328305.